The following is an entry in ClinVar:

ClinVar aggregate classification (germline): Uncertain significance (1 of 4 stars; one submission).

Conditions:
Orofaciodigital syndrome I (OFD1). Also called: OFDS I; Oral-Facial-Digital Syndrome Type I; Papillon-Leage and Psaume Syndrome. Identifiers: Orphanet 2750, MedGen C1510460, MONDO:0010702, OMIM 311200.
Joubert syndrome. Also called: CEREBELLOPARENCHYMAL DISORDER IV; JOUBERT-BOLTSHAUSER SYNDROME; Familial aplasia of the vermis. Identifiers: Orphanet 475, MedGen C5979921, MONDO:0018772.

Submission:

Labcorp Genetics (formerly Invitae), Labcorp
Classification: Uncertain significance for Orofaciodigital syndrome I; Joubert syndrome. Last evaluated: 2019-04-27. Review status: criteria provided, single submitter. Criteria: Invitae Variant Classification Sherloc (09022015). Collection method: clinical testing. Allele origin: germline.
Comment: This variant is not present in population databases (ExAC no frequency). In summary, the available evidence is currently insufficient to determine the role of this variant in disease. Therefore, it has been classified as a Variant of Uncertain Significance. Algorithms developed to predict the effect of missense changes on protein structure and function (SIFT, PolyPhen-2, Align-GVGD) all suggest that this variant is likely to be disruptive, but these predictions have not been confirmed by published functional studies and their clinical significance is uncertain. This variant has not been reported in the literature in individuals with OFD1-related conditions. This sequence change replaces arginine with glycine at codon 306 of the OFD1 protein (p.Arg306Gly). The arginine residue is highly conserved and there is a moderate physicochemical difference between arginine and glycine.

NM_003611.3(OFD1):c.916A>G (p.Arg306Gly)

Gene: OFD1 (OFD1 centriole and centriolar satellite protein; plus strand). Cytogenetic location: Xp22.2.
Variant type: single nucleotide variant.
Coding change: c.916A>G on transcript NM_003611.3 (MANE Select); coding-DNA position 916, A replaced by G.
Protein change: p.Arg306Gly; replaces arginine 306 with glycine.
Molecular consequence: missense variant.
Genome position (GRCh38, 1-based): chrX:13,749,514, A>G. VCF-style: chrX-13749514-A-G. GRCh37 (hg19) VCF-style: chrX-13767633-A-G.
Other names: c.916A>G, p.Arg306Gly (NM_001330209.2); c.496A>G, p.Arg166Gly (NM_001330210.2); short protein forms R166G, R306G.
Identifiers: ClinVar variation 862650 (VCV000862650.10), dbSNP rs2047424420, ClinGen allele CA412339048.